The following is an entry in ClinVar:

ClinVar aggregate classification (germline): Benign/Likely benign. Review status: criteria provided, multiple submitters, no conflicts (2 of 4 stars). 4 submissions from 4 submitters: Benign (2); Likely benign (2). Last evaluated 2026-01-06.

Conditions:
MEGF8-related Carpenter syndrome. Also called: Carpenter syndrome 2. Identifiers: Orphanet 65759, MedGen C3554247, MONDO:0013998, OMIM 614976.
MEGF8-related disorder. Also called: MEGF8-related condition.

Allele frequency attached by ClinVar (database versions not stated): gnomAD exomes 0.00015 and 0.00040; ExAC 0.00069; 1000 Genomes Project 0.00140; 1000 Genomes Project 30x 0.00141; ESP Exome Variant Server 0.00146; gnomAD 0.00179 and 0.00193; TOPMed 0.00196.
gnomAD v4.1: 490 of 1,601,776 alleles (0.031%); highest among the groups gnomAD compares: African/African-American, 0.61%; no homozygotes.

Submissions (4):

Labcorp Genetics (formerly Invitae), Labcorp
Classification: Benign for MEGF8-related Carpenter syndrome. Last evaluated: 2026-01-06. Review status: criteria provided, single submitter. Criteria: Invitae Variant Classification Sherloc (09022015). Collection method: clinical testing. Allele origin: germline.

PreventionGenetics, part of Exact Sciences
Classification: Likely benign for MEGF8-related condition. Last evaluated: 2025-07-21. Review status: criteria provided, single submitter. Criteria: ACMG Guidelines, 2015. Collection method: clinical testing. Allele origin: germline.
Comment: This variant is classified as likely benign based on ACMG/AMP sequence variant interpretation guidelines (Richards et al. 2015 PMID: 25741868, with internal and published modifications).

Blueprint Genetics
Classification: Likely benign. Last evaluated: 2024-06-26. Review status: criteria provided, single submitter. Criteria: ACMG Guidelines, 2015. Collection method: clinical testing. Allele origin: germline.

Breakthrough Genomics
Classification: Benign. Review status: criteria provided, single submitter. Criteria: ACMG Guidelines, 2015. Collection method: not provided. Allele origin: germline. Inheritance: Autosomal recessive inheritance. Affected: yes.

NM_001271938.2(MEGF8):c.5412G>A (p.Ser1804=)

Gene: MEGF8 (multiple EGF like domains 8; plus strand). Cytogenetic location: 19q13.2.
Variant type: single nucleotide variant.
Coding change: c.5412G>A on transcript NM_001271938.2 (MANE Select); coding-DNA position 5412, G replaced by A.
Protein change: p.Ser1804=; no amino-acid change (serine 1804 retained).
Molecular consequence: synonymous variant.
Genome position (GRCh38, 1-based): chr19:42,359,166, G>A. VCF-style: chr19-42359166-G-A. GRCh37 (hg19) VCF-style: chr19-42863318-G-A.
Other names: c.5211G>A, p.Ser1737= (NM_001410.3).
Identifiers: ClinVar variation 702015 (VCV000702015.11), dbSNP rs139648725, ClinGen allele CA9475568.